The following is an entry in ClinVar:

ClinVar aggregate classification (germline): Conflicting classifications of pathogenicity. Review status: criteria provided, conflicting classifications (1 of 4 stars). 4 submissions from 4 submitters: Pathogenic (1); Likely pathogenic (1); Uncertain significance (1). 1 of the submissions does not count toward it. Last evaluated 2025-08-12.

Conditions:
Familial thoracic aortic aneurysm and aortic dissection (TAAD). Also called: Thoracic aortic aneurysms and dissections. Identifiers: Orphanet 91387, MedGen C4707243, MONDO:0019625.
Aortic aneurysm, familial thoracic 4 (AAT4). Also called: AORTIC ANEURYSM/AORTIC DISSECTION AND PATENT DUCTUS ARTERIOSUS. Identifiers: MedGen C1851504, MONDO:0007568, OMIM 132900.

Submissions (4):

GeneDx
Classification: Uncertain significance. Last evaluated: 2025-08-12. Review status: criteria provided, single submitter. Criteria: GeneDx Variant Classification Process June 2021. Collection method: clinical testing. Allele origin: germline. Affected: yes.
Comment: p.Leu1264Pro (CTG>CCG): c.3791 T>C in exon 28 of the MYH11 gene (NM_002474.2)The L1264P mutation in the MYH11 gene has been reported in one family in association with TAAD and patent ductus arteriosus (PDA) (Pannu et al., 2007). L1264P was identified in three family members with history of PDA, aortic aneurysm/dissection and was absent from 360 control chromosomes (Pannu et al, 2007). The L1264P variant is a semi-conservative amino acid substitution, which may impact secondary protein structure as these residues differ in some properties. This substitution occurs at a position that is conserved across species. In silico analysis predicts L1264P is probably damaging the protein structure/function. Located in the regulatory region of the MYH11 gene, the presence of L1264P significantly decreases the probability of coiled-coil formation in the normal protein sequence (Pannu et al., 2007). Lastly, the L1264P mutation was not observed inapproximately 6,500 individuals of European and African American ancestry in the NHLBI Exome Sequencing Project, indicating it is not a common benign variant in these populations.In summary, L1264P in the MYH11 gene is interpreted as a disease-causing mutation. The variant is found in TAAD panel(s).

Labcorp Genetics (formerly Invitae), Labcorp
Classification: Likely pathogenic for Aortic aneurysm, familial thoracic 4. Last evaluated: 2025-08-04. Review status: criteria provided, single submitter. Criteria: Invitae Variant Classification Sherloc (09022015). Collection method: clinical testing. Allele origin: germline.
Comment: This sequence change replaces leucine, which is neutral and non-polar, with proline, which is neutral and non-polar, at codon 1271 of the MYH11 protein (p.Leu1271Pro). This variant is not present in population databases (gnomAD no frequency). This missense change has been observed in individuals with autosomal dominant thoracic aortic aneurysm and dissection (PMID: 17666408, 27081537; internal data). It has also been observed to segregate with disease in related individuals. This variant is also known as L1264P. ClinVar contains an entry for this variant (Variation ID: 88953). Invitae Evidence Modeling of protein sequence and biophysical properties (such as structural, functional, and spatial information, amino acid conservation, physicochemical variation, residue mobility, and thermodynamic stability) indicates that this missense variant is not expected to disrupt MYH11 protein function with a negative predictive value of 80%. In summary, the currently available evidence indicates that the variant is pathogenic, but additional data are needed to prove that conclusively. Therefore, this variant has been classified as Likely Pathogenic.

Ambry Genetics
Classification: Pathogenic for Familial thoracic aortic aneurysm and aortic dissection. Last evaluated: 2024-02-09. Review status: criteria provided, single submitter. Criteria: Ambry Variant Classification Scheme 2023. Collection method: clinical testing. Allele origin: germline.
Comment: The p.L1264P pathogenic mutation (also known as c.3791T>C), located in coding exon 27 of the MYH11 gene, results from a T to C substitution at nucleotide position 3791. The leucine at codon 1264 is replaced by proline, an amino acid with similar properties. This variant has segregated with disease in a family with thoracic aortic aneurysm and dissection (TAAD) and patent ductus arteriosus (PDA) and was suggested to be in linkage disequilibrium with a second MYH11 missense variant, both located in the coiled-coil domain. The p.L1264P alteration was predicted to introduce a helix breaking residue (proline), disrupting the coiled-coil formation (Pannu H et al. Hum Mol Genet. 2007;16(20):2453-2462). This variant has also segregated with disease in a second family with TAAD (Takeda N et al. Hum Genome Var. 2015 Aug;2:15028). This variant is considered to be rare based on population cohorts in the Genome Aggregation Database (gnomAD). This amino acid position is highly conserved in available vertebrate species. In addition, this alteration is predicted to be deleterious by in silico analysis. Based on the supporting evidence, this variant is expected to be causative of MYH11-related thoracic aortic aneurysm and dissection; however, its clinical significance for MYH11-related megacystis-microcolon-intestinal hypoperistalsis syndrome is unclear.

ClinVar Staff, National Center for Biotechnology Information (NCBI)
No classification provided. Condition: Aortic aneurysm, familial thoracic 4. Review status: no classification provided. Collection method: not provided. Allele origin: not provided. Not counted in ClinVar's aggregate classification.

Literature cited by the submitters: PubMed 17666408 (cited by Labcorp Genetics (formerly Invitae), Labcorp); PubMed 27081537 (cited by Labcorp Genetics (formerly Invitae), Labcorp and Ambry Genetics).

NM_002474.3(MYH11):c.3791T>C (p.Leu1264Pro)

Gene: MYH11 (myosin heavy chain 11; minus strand). Cytogenetic location: 16p13.11.
Variant type: single nucleotide variant.
Coding change: c.3791T>C on transcript NM_002474.3 (MANE Select); coding-DNA position 3791, T replaced by C.
Protein change: p.Leu1264Pro; replaces leucine 1264 with proline.
Molecular consequence: missense variant.
Genome position (GRCh38, 1-based): chr16:15,726,915, A>G on the plus strand (T>C on the coding strand, the complement: MYH11 is on the minus strand). VCF-style: chr16-15726915-A-G. GRCh37 (hg19) VCF-style: chr16-15820772-A-G.
Other names: p.L1264P:CTG>CCG; c.3812T>C, p.Leu1271Pro (NM_001040113.2, NM_001040114.2); c.3791T>C, p.Leu1264Pro (NM_022844.3); short protein forms L1264P, L1271P.
Identifiers: ClinVar variation 88953 (VCV000088953.15), dbSNP rs201831933, ClinGen allele CA270776.